The following is an entry in ClinVar:

NM_001378454.1(ALMS1):c.325-1G>A

Gene: ALMS1 (ALMS1 centrosome and basal body associated protein; plus strand). Cytogenetic location: 2p13.1.
Variant type: single nucleotide variant.
Coding change: c.325-1G>A on transcript NM_001378454.1 (MANE Select); the canonical splice acceptor site of the intron before coding-DNA position 325, G replaced by A.
Molecular consequence: splice acceptor variant.
Genome position (GRCh38, 1-based): chr2:73,408,621, G>A. VCF-style: chr2-73408621-G-A. GRCh37 (hg19) VCF-style: chr2-73635749-G-A.
Other names: c.328-1G>A (NM_015120.4); c.325-1G>A (NM_015120.4).
Identifiers: ClinVar variation 558064 (VCV000558064.7), dbSNP rs764337753, ClinGen allele CA347257480.
Genomic context (GRCh38, chr2:73,408,621, plus strand): 5'-TTTGTTGTATAATCATAGTGATTGTGTTATTACTCTATTTAAGCCTGCTTTTGATTTTCA[G>A]ATTGTTCCATTGACCTGTCATGTATGGCAACAGATAGTATATCAAGGCAATAGTAGAACA-3'

ClinVar aggregate classification (germline): Conflicting classifications of pathogenicity. Review status: criteria provided, conflicting classifications (1 of 4 stars). 3 submissions from 3 submitters: Likely pathogenic (1); Uncertain significance (1). 1 of the submissions does not count toward it. Last evaluated 2023-08-07.

Conditions:
Cardiovascular phenotype. Identifiers: MedGen CN230736.
Alstrom syndrome (ALMS). Identifiers: Orphanet 64, MedGen C0268425, MONDO:0008763, OMIM 203800.

gnomAD v4.1: 2 of 1,612,750 alleles (0.00012%); highest among the groups gnomAD compares: Non-Finnish European, 0.00017%; no homozygotes.

Submissions (3):

Labcorp Genetics (formerly Invitae), Labcorp
Classification: Likely pathogenic for Alstrom syndrome. Last evaluated: 2023-08-07. Review status: criteria provided, single submitter. Criteria: Invitae Variant Classification Sherloc (09022015). Collection method: clinical testing. Allele origin: germline.
Comment: In summary, the currently available evidence indicates that the variant is pathogenic, but additional data are needed to prove that conclusively. Therefore, this variant has been classified as Likely Pathogenic. Algorithms developed to predict the effect of sequence changes on RNA splicing suggest that this variant may disrupt the consensus splice site. ClinVar contains an entry for this variant (Variation ID: 558064). This variant has not been reported in the literature in individuals affected with ALMS1-related conditions. This variant is not present in population databases (gnomAD no frequency). This sequence change affects an acceptor splice site in intron 1 of the ALMS1 gene. It is expected to disrupt RNA splicing. Variants that disrupt the donor or acceptor splice site typically lead to a loss of protein function (PMID: 16199547), and loss-of-function variants in ALMS1 are known to be pathogenic (PMID: 17594715).

Ambry Genetics
Classification: Uncertain significance for Cardiovascular phenotype. Last evaluated: 2021-11-02. Review status: criteria provided, single submitter. Criteria: Ambry Variant Classification Scheme 2023. Collection method: clinical testing. Allele origin: germline.
Comment: The c.328-1G>A intronic variant results from a G to A substitution one nucleotide upstream from coding exon 2 of the ALMS1 gene. Alterations that disrupt the canonical splice site are expected to cause aberrant splicing. In silico splice site analysis predicts that this alteration will weaken the native splice acceptor site. The resulting transcript is predicted to be in-frame and is not expected to trigger nonsense-mediated mRNA decay; however, direct evidence is unavailable. The exact functional effect of the altered amino acid sequence is unknown. This nucleotide position is highly conserved in available vertebrate species. Since supporting evidence is limited at this time, the clinical significance of this alteration remains unclear.

Counsyl
Classification: Likely pathogenic for Alstrom syndrome. Last evaluated: 2018-04-26. Review status: no assertion criteria provided. Collection method: clinical testing. Allele origin: unknown. Not counted in ClinVar's aggregate classification.

Literature cited by the submitters: PubMed 16199547 (cited by Labcorp Genetics (formerly Invitae), Labcorp); PubMed 17594715 (cited by Labcorp Genetics (formerly Invitae), Labcorp).